The following is an entry in ClinVar:

NM_032578.4(MYPN):c.1516T>C (p.Phe506Leu)

Gene: MYPN (myopalladin; plus strand). Cytogenetic location: 10q21.3.
Variant type: single nucleotide variant.
Coding change: c.1516T>C on transcript NM_032578.4 (MANE Select); coding-DNA position 1516, T replaced by C.
Protein change: p.Phe506Leu; replaces phenylalanine 506 with leucine.
Molecular consequence: missense variant. On other transcripts: non-coding transcript variant (2).
Genome position (GRCh38, 1-based): chr10:68,165,734, T>C. VCF-style: chr10-68165734-T-C. GRCh37 (hg19) VCF-style: chr10-69925491-T-C.
Other names: c.1516T>C, p.Phe506Leu (NM_001256267.2); c.634T>C, p.Phe212Leu (NM_001256268.2); short protein forms F212L, F506L.
Identifiers: ClinVar variation 2449136 (VCV002449136.2), dbSNP rs2495729021, ClinGen allele CA376837839.

ClinVar aggregate classification (germline): Uncertain significance (1 of 4 stars; one submission).

Conditions:
Cardiovascular phenotype. Identifiers: MedGen CN230736.

Submission:

Ambry Genetics
Classification: Uncertain significance for Cardiovascular phenotype. Last evaluated: 2023-02-16. Review status: criteria provided, single submitter. Criteria: Ambry Variant Classification Scheme 2023. Collection method: clinical testing. Allele origin: germline.
Comment: The p.F506L variant (also known as c.1516T>C), located in coding exon 8 of the MYPN gene, results from a T to C substitution at nucleotide position 1516. The phenylalanine at codon 506 is replaced by leucine, an amino acid with highly similar properties. This amino acid position is conserved. In addition, the in silico prediction for this alteration is inconclusive. Since supporting evidence is limited at this time, the clinical significance of this alteration remains unclear.